The following is an entry in ClinVar:

NM_014423.4(AFF4):c.3005+2T>C

Gene: AFF4 (ALF transcription elongation factor 4; minus strand). Cytogenetic location: 5q31.1.
Variant type: single nucleotide variant.
Coding change: c.3005+2T>C on transcript NM_014423.4 (MANE Select); the canonical splice donor site of the intron after coding-DNA position 3005, T replaced by C.
Molecular consequence: splice donor variant.
Genome position (GRCh38, 1-based): chr5:132,887,519, A>G on the plus strand (T>C on the coding strand, the complement: AFF4 is on the minus strand). VCF-style: chr5-132887519-A-G. GRCh37 (hg19) VCF-style: chr5-132223211-A-G.
Identifiers: ClinVar variation 1314736 (VCV001314736.3), dbSNP rs2150066345, ClinGen allele CA360969545.

ClinVar aggregate classification (germline): Uncertain significance (1 of 4 stars; one submission).

Submission:

GeneDx
Classification: Uncertain significance. Last evaluated: 2022-05-04. Review status: criteria provided, single submitter. Criteria: GeneDx Variant Classification Process June 2021. Collection method: clinical testing. Allele origin: germline. Affected: yes.
Comment: Not observed at significant frequency in large population cohorts (gnomAD); Canonical splice site variant in a gene for which loss-of-function is not a known mechanism of disease; Has not been previously published as pathogenic or benign to our knowledge